The following is an entry in ClinVar:

ClinVar aggregate classification (germline): Uncertain significance (1 of 4 stars; one submission).

Conditions:
Cardiovascular phenotype. Identifiers: MedGen CN230736.

Submission:

Ambry Genetics
Classification: Uncertain significance for Cardiovascular phenotype. Last evaluated: 2025-09-11. Review status: criteria provided, single submitter. Criteria: Ambry Variant Classification Scheme 2023. Collection method: clinical testing. Allele origin: germline.
Comment: The p.R132G variant (also known as c.394C>G), located in coding exon 9 of the COL1A2 gene, results from a C to G substitution at nucleotide position 394. The arginine at codon 132 is replaced by glycine, an amino acid with dissimilar properties. This amino acid position is well conserved in available vertebrate species. In addition, the in silico prediction for this alteration is inconclusive. Based on the available evidence, the clinical significance of this variant remains unclear.

NM_000089.4(COL1A2):c.394C>G (p.Arg132Gly)

Gene: COL1A2 (collagen type I alpha 2 chain; plus strand). Cytogenetic location: 7q21.3.
Variant type: single nucleotide variant.
Coding change: c.394C>G on transcript NM_000089.4 (MANE Select); coding-DNA position 394, C replaced by G.
Protein change: p.Arg132Gly; replaces arginine 132 with glycine.
Molecular consequence: missense variant.
Genome position (GRCh38, 1-based): chr7:94,404,854, C>G. VCF-style: chr7-94404854-C-G. GRCh37 (hg19) VCF-style: chr7-94034166-C-G.
Other names: short protein forms R132G.
Identifiers: ClinVar variation 4231961 (VCV004231961.1).